The following is an entry in ClinVar:

ClinVar aggregate classification (germline): Uncertain significance. Review status: criteria provided, multiple submitters, no conflicts (2 of 4 stars). 2 submissions from 2 submitters: Uncertain significance (2). Last evaluated 2024-06-09.

Conditions:
Congenital glucose-galactose malabsorption (GGM). Also called: DIARRHEA 16; MONOSACCHARIDE MALABSORPTION. Identifiers: Orphanet 35710, MedGen C0268186, MONDO:0011731, OMIM 606824.

gnomAD v4.1: 10 of 1,613,914 alleles (0.00062%); highest among the groups gnomAD compares: Admixed American, 0.0017%; no homozygotes.

Submissions (2):

Fulgent Genetics
Classification: Uncertain significance for Congenital glucose-galactose malabsorption. Last evaluated: 2024-06-09. Review status: criteria provided, single submitter. Criteria: ACMG Guidelines, 2015. Collection method: clinical testing. Allele origin: germline.

Labcorp Genetics (formerly Invitae), Labcorp
Classification: Uncertain significance for Congenital glucose-galactose malabsorption. Last evaluated: 2024-04-08. Review status: criteria provided, single submitter. Criteria: Invitae Variant Classification Sherloc (09022015). Collection method: clinical testing. Allele origin: germline.
Comment: This sequence change replaces arginine, which is basic and polar, with histidine, which is basic and polar, at codon 564 of the SLC5A1 protein (p.Arg564His). This variant is not present in population databases (gnomAD no frequency). This variant has not been reported in the literature in individuals affected with SLC5A1-related conditions. ClinVar contains an entry for this variant (Variation ID: 1910683). An algorithm developed to predict the effect of missense changes on protein structure and function (PolyPhen-2) suggests that this variant is likely to be tolerated. In summary, the available evidence is currently insufficient to determine the role of this variant in disease. Therefore, it has been classified as a Variant of Uncertain Significance.

NM_000343.4(SLC5A1):c.1691G>A (p.Arg564His)

Gene: SLC5A1 (solute carrier family 5 member 1; plus strand). Cytogenetic location: 22q12.3.
Variant type: single nucleotide variant.
Coding change: c.1691G>A on transcript NM_000343.4 (MANE Select); coding-DNA position 1691, G replaced by A.
Protein change: p.Arg564His; replaces arginine 564 with histidine.
Molecular consequence: missense variant.
Genome position (GRCh38, 1-based): chr22:32,104,811, G>A. VCF-style: chr22-32104811-G-A. GRCh37 (hg19) VCF-style: chr22-32500798-G-A.
Other names: c.1310G>A, p.Arg437His (NM_001256314.2); short protein forms R564H, R437H.
Identifiers: ClinVar variation 1910683 (VCV001910683.6), dbSNP rs1449988154, ClinGen allele CA411314582.